The following is an entry in ClinVar:

ClinVar aggregate classification (germline): Uncertain significance (1 of 4 stars; one submission).

Conditions:
Familial sleep-related hypermotor epilepsy. Also called: Autosomal Dominant Sleep-Related Hypermotor (Hyperkinetic) Epilepsy. Identifiers: Orphanet 98784, MedGen C3696898, MONDO:0000030.

Submission:

Labcorp Genetics (formerly Invitae), Labcorp
Classification: Uncertain significance. Last evaluated: 2022-03-19. Review status: criteria provided, single submitter. Criteria: Invitae Variant Classification Sherloc (09022015). Collection method: clinical testing. Allele origin: germline.
Comment: This variant is not present in population databases (gnomAD no frequency). In summary, the available evidence is currently insufficient to determine the role of this variant in disease. Therefore, it has been classified as a Variant of Uncertain Significance. Advanced modeling of protein sequence and biophysical properties (such as structural, functional, and spatial information, amino acid conservation, physicochemical variation, residue mobility, and thermodynamic stability) performed at Invitae indicates that this missense variant is not expected to disrupt CHRNB2 protein function. This variant has not been reported in the literature in individuals affected with CHRNB2-related conditions. This sequence change replaces methionine, which is neutral and non-polar, with leucine, which is neutral and non-polar, at codon 266 of the CHRNB2 protein (p.Met266Leu).

NM_000748.3(CHRNB2):c.796A>T (p.Met266Leu)

Gene: CHRNB2 (cholinergic receptor nicotinic beta 2 subunit; plus strand). Cytogenetic location: 1q21.3.
Variant type: single nucleotide variant.
Coding change: c.796A>T on transcript NM_000748.3 (MANE Select); coding-DNA position 796, A replaced by T.
Protein change: p.Met266Leu; replaces methionine 266 with leucine.
Molecular consequence: missense variant.
Genome position (GRCh38, 1-based): chr1:154,571,619, A>T. VCF-style: chr1-154571619-A-T. GRCh37 (hg19) VCF-style: chr1-154544095-A-T.
Other names: short protein forms M266L.
Identifiers: ClinVar variation 1510187 (VCV001510187.8), dbSNP rs2101521127, ClinGen allele CA342630857.
Genomic context (GRCh38, chr1:154,571,619, plus strand): 5'-GTGCTCATCACCTCGCTAGCCATCCTTGTCTTCTACCTGCCATCCGACTGTGGCGAGAAG[A>T]TGACGTTGTGCATCTCAGTGCTGCTGGCGCTCACGGTCTTCCTGCTGCTCATCTCCAAGA-3'
Protein context (NP_000739.1, residues 256-276): FYLPSDCGEK[Met266Leu]TLCISVLLAL